The following is an entry in ClinVar:

ClinVar aggregate classification (germline): Uncertain significance (1 of 4 stars; one submission).

Conditions:
Arrhythmogenic cardiomyopathy with wooly hair and keratoderma. Also called: PALMOPLANTAR KERATODERMA WITH LEFT VENTRICULAR CARDIOMYOPATHY AND WOOLLY HAIR; Carvajal syndrome; Dilated cardiomyopathy with woolly hair and keratoderma; Arrhythmogenic cardiomyopathy with woolly hair and keratoderma. Identifiers: Orphanet 65282, MedGen C1854063, MONDO:0011581, OMIM 605676.
Arrhythmogenic right ventricular dysplasia 8 (ARVD8). Also called: Arrhythmogenic Right Ventricular Dysplasia/Cardiomyopathy 8; ARRHYTHMOGENIC RIGHT VENTRICULAR DYSPLASIA, FAMILIAL, 8; ARRHYTHMOGENIC RIGHT VENTRICULAR CARDIOMYOPATHY 8. Identifiers: MedGen C1843896, MONDO:0011831, OMIM 607450.

Submission:

Labcorp Genetics (formerly Invitae), Labcorp
Classification: Uncertain significance for Arrhythmogenic cardiomyopathy with wooly hair and keratoderma; Arrhythmogenic right ventricular dysplasia 8. Last evaluated: 2023-12-04. Review status: criteria provided, single submitter. Criteria: Invitae Variant Classification Sherloc (09022015). Collection method: clinical testing. Allele origin: germline.
Comment: This sequence change replaces alanine, which is neutral and non-polar, with phenylalanine, which is neutral and non-polar, at codon 1307 of the DSP protein (p.Ala1307Phe). Information on the frequency of this variant in the gnomAD database is not available, as this variant may be reported differently in the database. This variant has not been reported in the literature in individuals affected with DSP-related conditions. An algorithm developed to predict the effect of missense changes on protein structure and function (PolyPhen-2) suggests that this variant is likely to be tolerated. In summary, the available evidence is currently insufficient to determine the role of this variant in disease. Therefore, it has been classified as a Variant of Uncertain Significance.

NM_004415.4(DSP):c.3919_3920delinsTT (p.Ala1307Phe)

Gene: DSP (desmoplakin; plus strand). Cytogenetic location: 6p24.3.
Variant type: Indel.
Coding change: c.3919_3920delinsTT on transcript NM_004415.4 (MANE Select); coding-DNA positions 3919 to 3920, GC replaced by TT.
Protein change: p.Ala1307Phe; replaces alanine 1307 with phenylalanine.
Molecular consequence: missense variant. On other transcripts: intron variant (1).
Genome position (GRCh38, 1-based): chr6:7,580,109-7,580,110, GC replaced by TT. VCF-style: chr6-7580109-GC-TT. GRCh37 (hg19) VCF-style: chr6-7580342-GC-TT.
Other names: c.3919_3920delinsTT, p.Ala1307Phe (NM_001319034.2); c.3582+337_3582+338delinsTT (NM_001008844.3); short protein forms A1307F.
Identifiers: ClinVar variation 2950835 (VCV002950835.3), dbSNP rs2533926619, ClinGen allele CA2740090879.